The following is an entry in ClinVar:

ClinVar aggregate classification (germline): Conflicting classifications of pathogenicity. Review status: criteria provided, conflicting classifications (1 of 4 stars). 3 submissions from 3 submitters: Uncertain significance (1); Benign (1); Likely benign (1). Last evaluated 2026-02-01.

Conditions:
Short stature-optic atrophy-Pelger-Huët anomaly syndrome. Also called: Short stature-optic atrophy-Pelger-HuC+t anomaly syndrome; Short stature, optic nerve atrophy, and Pelger-Huet anomaly. Identifiers: Orphanet 391677, MedGen C3541319, MONDO:0013889, OMIM 614800.
NBAS-related disorder. Also called: NBAS-related condition.

Allele frequency attached by ClinVar (database versions not stated): gnomAD 0.00003 and 0.00007; TOPMed 0.00005; gnomAD exomes 0.00015 and 0.00033; ExAC 0.00032; 1000 Genomes Project 0.00060; 1000 Genomes Project 30x 0.00062.
gnomAD v4.1: 251 of 1,614,046 alleles (0.016%); highest among the groups gnomAD compares: South Asian, 0.22%; 6 homozygotes.

Submissions (3):

Labcorp Genetics (formerly Invitae), Labcorp
Classification: Benign. Last evaluated: 2026-02-01. Review status: criteria provided, single submitter. Criteria: Invitae Variant Classification Sherloc (09022015). Collection method: clinical testing. Allele origin: germline.

PreventionGenetics, part of Exact Sciences
Classification: Likely benign for NBAS-related condition. Last evaluated: 2025-11-30. Review status: criteria provided, single submitter. Criteria: ACMG Guidelines, 2015. Collection method: clinical testing. Allele origin: germline.
Comment: This variant is classified as likely benign based on ACMG/AMP sequence variant interpretation guidelines (Richards et al. 2015 PMID: 25741868, with internal and published modifications).

Baylor Genetics
Classification: Uncertain significance for Short stature-optic atrophy-Pelger-Huët anomaly syndrome. Last evaluated: 2018-01-24. Review status: criteria provided, single submitter. Criteria: ACMG Guidelines, 2015. Collection method: clinical testing. Allele origin: maternal. Affected: yes.
Comment: This variant was determined to be of uncertain significance according to ACMG Guidelines, 2015 [PMID:25741868].

NM_015909.4(NBAS):c.2893G>A (p.Asp965Asn)

Gene: NBAS (NBAS subunit of NRZ tethering complex; minus strand). Cytogenetic location: 2p24.3.
Variant type: single nucleotide variant.
Coding change: c.2893G>A on transcript NM_015909.4 (MANE Select); coding-DNA position 2893, G replaced by A.
Protein change: p.Asp965Asn; replaces aspartic acid 965 with asparagine.
Molecular consequence: missense variant. On other transcripts: non-coding transcript variant (1).
Genome position (GRCh38, 1-based): chr2:15,415,590, C>T on the plus strand (G>A on the coding strand, the complement: NBAS is on the minus strand). VCF-style: chr2-15415590-C-T. GRCh37 (hg19) VCF-style: chr2-15555714-C-T.
Other names: short protein forms D965N.
Identifiers: ClinVar variation 1032706 (VCV001032706.10), dbSNP rs201635424, ClinGen allele CA1536231.